The following is an entry in ClinVar:

NM_173648.4(CCDC141):c.4055A>T (p.Asp1352Val)

Gene: CCDC141 (coiled-coil domain containing 141; minus strand). Cytogenetic location: 2q31.2.
Variant type: single nucleotide variant.
Coding change: c.4055A>T on transcript NM_173648.4 (MANE Select); coding-DNA position 4055, A replaced by T.
Protein change: p.Asp1352Val; replaces aspartic acid 1352 with valine.
Molecular consequence: missense variant.
Genome position (GRCh38, 1-based): chr2:178,837,164, T>A on the plus strand (A>T on the coding strand, the complement: CCDC141 is on the minus strand). VCF-style: chr2-178837164-T-A. GRCh37 (hg19) VCF-style: chr2-179701891-T-A.
Other names: short protein forms D1352V.
Identifiers: ClinVar variation 2029211 (VCV002029211.4), dbSNP rs2535110594, ClinGen allele CA349549386.
Genomic context (GRCh38, chr2:178,837,164, plus strand): 5'-AGGCCCGAGAATGCATCAGAGGAAGCATGCAGCCTATCTTGGGTTTTAGTGAAGTTATTA[T>A]CAGCATGCATTTTCTCCCGTGTTTCTAGCAAACCACCCTGAGCCTGAGGGTGCTGCTGTA-3'
Protein context (NP_775919.3, residues 1342-1362): LLETREKMHA[Asp1352Val]NNFTKTQDRL

ClinVar aggregate classification (germline): Uncertain significance (1 of 4 stars; one submission).

gnomAD v4.1: 1 of 1,613,952 alleles (0.000062%); highest among the groups gnomAD compares: Non-Finnish European, 0.000085%; no homozygotes.

Submission:

Labcorp Genetics (formerly Invitae), Labcorp
Classification: Uncertain significance. Last evaluated: 2022-09-06. Review status: criteria provided, single submitter. Criteria: Invitae Variant Classification Sherloc (09022015). Collection method: clinical testing. Allele origin: germline.
Comment: In summary, the available evidence is currently insufficient to determine the role of this variant in disease. Therefore, it has been classified as a Variant of Uncertain Significance. Algorithms developed to predict the effect of missense changes on protein structure and function are either unavailable or do not agree on the potential impact of this missense change (SIFT: "Deleterious"; PolyPhen-2: "Benign"; Align-GVGD: "Class C15"). This variant has not been reported in the literature in individuals affected with CCDC141-related conditions. This variant is not present in population databases (gnomAD no frequency). This sequence change replaces aspartic acid, which is acidic and polar, with valine, which is neutral and non-polar, at codon 1352 of the CCDC141 protein (p.Asp1352Val).